The following is an entry in ClinVar:

ClinVar aggregate classification (germline): Likely benign (0 of 4 stars; one submission).

Conditions:
KIF6-related disorder. Also called: KIF6-related condition.

Allele frequency attached by ClinVar (database versions not stated): 1000 Genomes Project 30x 0.00047; 1000 Genomes Project 0.00060; ExAC 0.00217; ESP Exome Variant Server 0.00392.
gnomAD v4.1: 6,239 of 1,612,614 alleles (0.39%); highest among the groups gnomAD compares: Non-Finnish European, 0.48%; 21 homozygotes.

Submissions (7):

PreventionGenetics, part of Exact Sciences
Classification: Likely benign for KIF6-related condition. Last evaluated: 2022-02-10. Review status: no assertion criteria provided. Collection method: clinical testing. Allele origin: germline.
Comment: This variant is classified as likely benign based on ACMG/AMP sequence variant interpretation guidelines (Richards et al. 2015 PMID: 25741868, with internal and published modifications).

Dr. Peter K. Rogan Lab, Western University
No classification provided (evidence only). Condition: Thyroid cancer, nonmedullary, 1. Review status: no classification provided. Collection method: in vitro. Allele origin: not applicable. Functional consequence: retained intron. Not counted in ClinVar's aggregate classification.

Dr. Peter K. Rogan Lab, Western University
No classification provided (evidence only). Condition: Thyroid cancer, nonmedullary, 1. Review status: no classification provided. Collection method: in vitro. Allele origin: not applicable. Functional consequence: retained intron. Not counted in ClinVar's aggregate classification.

Dr. Peter K. Rogan Lab, Western University
No classification provided (evidence only). Condition: Uterine corpus endometrial carcinoma. Review status: no classification provided. Collection method: in vitro. Allele origin: not applicable. Functional consequence: retained intron. Not counted in ClinVar's aggregate classification.

Dr. Peter K. Rogan Lab, Western University
No classification provided (evidence only). Condition: Uterine carcinosarcoma. Review status: no classification provided. Collection method: in vitro. Allele origin: not applicable. Functional consequence: retained intron. Not counted in ClinVar's aggregate classification.

Dr. Peter K. Rogan Lab, Western University
No classification provided (evidence only). Condition: Nonpapillary renal cell carcinoma. Review status: no classification provided. Collection method: in vitro. Allele origin: not applicable. Functional consequence: retained intron. Not counted in ClinVar's aggregate classification.

Dr. Peter K. Rogan Lab, Western University
No classification provided (evidence only). Condition: Melanoma. Review status: no classification provided. Collection method: in vitro. Allele origin: not applicable. Functional consequence: retained intron. Not counted in ClinVar's aggregate classification.

NM_145027.6(KIF6):c.2359G>A (p.Gly787Arg)

Gene: KIF6 (kinesin family member 6; minus strand). Cytogenetic location: 6p21.2.
Variant type: single nucleotide variant.
Coding change: c.2359G>A on transcript NM_145027.6 (MANE Select); coding-DNA position 2359, G replaced by A.
Protein change: p.Gly787Arg; replaces glycine 787 with arginine.
Molecular consequence: missense variant.
Genome position (GRCh38, 1-based): chr6:39,343,778, C>T on the plus strand (G>A on the coding strand, the complement: KIF6 is on the minus strand). VCF-style: chr6-39343778-C-T. GRCh37 (hg19) VCF-style: chr6-39311554-C-T.
Other names: NC_000006.11:g.39311554C>T; c.2308G>A, p.Gly770Arg (NM_001289020.3); c.2191G>A, p.Gly731Arg (NM_001289021.3); c.712G>A, p.Gly238Arg (NM_001289024.3, NM_001351566.2); short protein forms G238R, G731R, G770R, G787R.
Identifiers: ClinVar variation 3056494 (VCV003056494.3), dbSNP rs139582255, ClinGen allele CA3793705.